The following is an entry in ClinVar:

ClinVar aggregate classification (germline): Uncertain significance (1 of 4 stars; one submission).

gnomAD v4.1: 3 of 1,609,352 alleles (0.00019%); highest among the groups gnomAD compares: Non-Finnish European, 0.00025%; no homozygotes.

Submission:

Ambry Genetics
Classification: Uncertain significance. Last evaluated: 2025-03-19. Review status: criteria provided, single submitter. Criteria: Ambry Variant Classification Scheme 2023. Collection method: clinical testing. Allele origin: germline.
Comment: The p.P175S variant (also known as c.523C>T), located in coding exon 1 of the EGLN1 gene, results from a C to T substitution at nucleotide position 523. The proline at codon 175 is replaced by serine, an amino acid with similar properties. This amino acid position is conserved. In addition, this alteration is predicted to be tolerated by in silico analysis. Based on the available evidence, the clinical significance of this variant remains unclear.

NM_022051.3(EGLN1):c.523C>T (p.Pro175Ser)

Gene: EGLN1 (egl-9 family hypoxia inducible factor 1; minus strand). Cytogenetic location: 1q42.2.
Variant type: single nucleotide variant.
Coding change: c.523C>T on transcript NM_022051.3 (MANE Select); coding-DNA position 523, C replaced by T.
Protein change: p.Pro175Ser; replaces proline 175 with serine.
Molecular consequence: missense variant.
Genome position (GRCh38, 1-based): chr1:231,421,366, G>A on the plus strand (C>T on the coding strand, the complement: EGLN1 is on the minus strand). VCF-style: chr1-231421366-G-A. GRCh37 (hg19) VCF-style: chr1-231557112-G-A.
Other names: c.523C>T, p.Pro175Ser (NM_001377260.1, NM_001377261.1); short protein forms P175S.
Identifiers: ClinVar variation 4016844 (VCV004016844.1).
Genomic context (GRCh38, chr1:231,421,366, plus strand): 5'-GCGCCAGCTTCAGCGCCGGCAGGGGCTTCGTCTGCCCGTTGGGCCGCAGGCCGCCGCCGG[G>A]GCTCAGCGCATCCCCGGGCGTGTTGCTTGGGGGGTACAGGTTCGCCTTCTCCTGGAACAG-3'
Protein context (NP_071334.1, residues 165-185): PSNTPGDALS[Pro175Ser]GGGLRPNGQT